The following is an entry in ClinVar:

NM_001374385.1(ATP8B1):c.916T>C (p.Cys306Arg)

Gene: ATP8B1 (ATPase phospholipid transporting 8B1; minus strand). Cytogenetic location: 18q21.31.
Variant type: single nucleotide variant.
Coding change: c.916T>C on transcript NM_001374385.1 (MANE Select); coding-DNA position 916, T replaced by C.
Protein change: p.Cys306Arg; replaces cysteine 306 with arginine.
Molecular consequence: missense variant.
Genome position (GRCh38, 1-based): chr18:57,695,195, A>G on the plus strand (T>C on the coding strand, the complement: ATP8B1 is on the minus strand). VCF-style: chr18-57695195-A-G. GRCh37 (hg19) VCF-style: chr18-55362427-A-G.
Other names: c.766T>C, p.Cys256Arg (NM_001374386.1); c.916T>C, p.Cys306Arg (NM_005603.6); short protein forms C256R, C306R.
Identifiers: ClinVar variation 4846635 (VCV004846635.1).

ClinVar aggregate classification (germline): Likely pathogenic (1 of 4 stars; one submission).

Conditions:
Familial intrahepatic cholestasis. Identifiers: Orphanet 284385, MedGen CN296401, MONDO:0017290.

gnomAD v4.1: 2 of 1,614,212 alleles (0.00012%); highest among the groups gnomAD compares: East Asian, 0.0045%; no homozygotes.

Submission:

Genomenon, Inc
Classification: Likely pathogenic for Familial intrahepatic cholestasis. Last evaluated: 2026-04-14. Review status: criteria provided, single submitter. Criteria: Genomenon Sequence Variant Interpretation Standards - Updated. Collection method: curation. Allele origin: germline. Affected: yes.
Comment: ATP8B1 p.Cys306Arg (c.916T>C) is a missense variant that changes the amino acid at residue 306 from Cysteine to Arginine. This variant has been observed in at least one proband with features of ATP8B1-deficiency (PMID:27534385;18379143). It has been observed in trans with a pathogenic or likely pathogenic variant (PMID:27534385). At least one functional study has demonstrated a substantial alteration in protein function relative to the wild-type (PMID:33437900;29104077). At least one splicing study demonstrated no effect on splicing (PMID:33437900). It is absent or not present at a significant frequency in gnomAD. In silico models predict that this variant is possibly or probably damaging. In conclusion, we classify ATP8B1 p.Cys306Arg (c.916T>C) as a likely pathogenic variant.

Literature cited by the submitters: PubMed 27534385; PubMed 18379143; PubMed 33437900; PubMed 29104077.